The following is an entry in ClinVar:

ClinVar aggregate classification (germline): Uncertain significance. Review status: criteria provided, multiple submitters, no conflicts (2 of 4 stars). 9 submissions from 9 submitters: Uncertain significance (8). 1 of the submissions does not count toward it. Last evaluated 2024-11-11.

Conditions:
APC-related disorder. Also called: APC-related condition.
Hereditary cancer-predisposing syndrome. Also called: Hereditary neoplastic syndrome; Neoplastic Syndromes, Hereditary; Tumor predisposition; Hereditary Cancer Syndrome. Identifiers: Orphanet 140162, MedGen C0027672, MeSH D009386, MONDO:0015356.
Familial adenomatous polyposis 1 (FAP1). Also called: POLYPOSIS, ADENOMATOUS INTESTINAL; FAMILIAL ADENOMATOUS POLYPOSIS 1, ATTENUATED. Identifiers: MedGen C2713442, MONDO:0021056, OMIM 175100. Disease mechanism: loss of function.
Classic or attenuated familial adenomatous polyposis. Identifiers: MedGen CN372698, MONDO:0021057.

Allele frequency attached by ClinVar (database versions not stated): TOPMed 0.00001.

Submissions (9):

Labcorp Genetics (formerly Invitae), Labcorp
Classification: Uncertain significance for Familial adenomatous polyposis 1. Last evaluated: 2024-11-11. Review status: criteria provided, single submitter. Criteria: Invitae Variant Classification Sherloc (09022015). Collection method: clinical testing. Allele origin: germline.
Comment: This sequence change replaces isoleucine, which is neutral and non-polar, with valine, which is neutral and non-polar, at codon 228 of the APC protein (p.Ile228Val). This variant is not present in population databases (gnomAD no frequency). This variant has not been reported in the literature in individuals affected with APC-related conditions. ClinVar contains an entry for this variant (Variation ID: 470063). Invitae Evidence Modeling of protein sequence and biophysical properties (such as structural, functional, and spatial information, amino acid conservation, physicochemical variation, residue mobility, and thermodynamic stability) indicates that this missense variant is not expected to disrupt APC protein function with a negative predictive value of 95%. In summary, the available evidence is currently insufficient to determine the role of this variant in disease. Therefore, it has been classified as a Variant of Uncertain Significance.

Color Diagnostics, LLC DBA Color Health
Classification: Uncertain significance for Hereditary cancer-predisposing syndrome. Last evaluated: 2024-03-06. Review status: criteria provided, single submitter. Criteria: ACMG Guidelines, 2015. Collection method: clinical testing. Allele origin: germline.
Comment: This missense variant replaces isoleucine with valine at codon 228 of the APC protein. Computational prediction suggests that this variant may not impact protein structure and function (internally defined REVEL score threshold <= 0.5, PMID: 27666373). Splice site prediction tools suggest that this variant may not impact RNA splicing. To our knowledge, functional studies have not been performed for this variant. This variant has not been reported in individuals affected with hereditary cancer in the literature. This variant has not been identified in the general population by the Genome Aggregation Database (gnomAD). The available evidence is insufficient to determine the role of this variant in disease conclusively. Therefore, this variant is classified as a Variant of Uncertain Significance.

Baylor Genetics
Classification: Uncertain significance for Familial adenomatous polyposis 1. Last evaluated: 2024-02-16. Review status: criteria provided, single submitter. Criteria: ACMG Guidelines, 2015. Collection method: clinical testing. Allele origin: unknown.

Ambry Genetics
Classification: Uncertain significance for Hereditary cancer-predisposing syndrome. Last evaluated: 2023-09-12. Review status: criteria provided, single submitter. Criteria: Ambry Variant Classification Scheme 2023. Collection method: clinical testing. Allele origin: germline.
Comment: The p.I228V variant (also known as c.682A>G), located in coding exon 6 of the APC gene, results from an A to G substitution at nucleotide position 682. The isoleucine at codon 228 is replaced by valine, an amino acid with highly similar properties. This amino acid position is highly conserved in available vertebrate species. In addition, in silico predictors for this gene do not accurately predict pathogenicity. Since supporting evidence is limited at this time, the clinical significance of this alteration remains unclear.

All of Us Research Program, National Institutes of Health
Classification: Uncertain significance for Classic or attenuated familial adenomatous polyposis. Last evaluated: 2023-04-27. Review status: criteria provided, single submitter. Criteria: ACMG Guidelines, 2015. Collection method: clinical testing. Allele origin: germline. Inheritance: Autosomal dominant inheritance. Observed: 1 variant allele, 1 heterozygote.
Comment: This missense variant replaces isoleucine with valine at codon 228 of the APC protein. Computational prediction suggests that this variant may not impact protein structure and function (internally defined REVEL score threshold <= 0.5, PMID: 27666373). Splice site prediction tools suggest that this variant may not impact RNA splicing. To our knowledge, functional studies have not been performed for this variant. This variant has not been reported in individuals affected with hereditary cancer in the literature. This variant has not been identified in the general population by the Genome Aggregation Database (gnomAD). The available evidence is insufficient to determine the role of this variant in disease conclusively. Therefore, this variant is classified as a Variant of Uncertain Significance.

This study involves interpretation of variants in research participants for the purpose of population health screening. Participant phenotype was not available at the time of variant classification. Additional details can be found in publication PMID: 35346344, PMCID: PMC8962531

GeneDx
Classification: Uncertain significance. Last evaluated: 2023-02-01. Review status: criteria provided, single submitter. Criteria: GeneDx Variant Classification Process June 2021. Collection method: clinical testing. Allele origin: germline. Affected: yes.
Comment: Not observed at significant frequency in large population cohorts (gnomAD); In silico analysis supports that this missense variant does not alter protein structure/function; Has not been previously published as pathogenic or benign to our knowledge

Sema4
Classification: Uncertain significance for Hereditary cancer-predisposing syndrome. Last evaluated: 2021-09-03. Review status: criteria provided, single submitter. Criteria: Sema4 Curation Guidelines. Collection method: curation. Allele origin: germline.
Comment: The APC c.682A>G (p.I228V) variant has not been reported in the literature to our knowledge. It was not observed in the large and broad cohorts of the Genome Aggregation Database (PMID: 32461654). This variant has been reported in ClinVar (Variation ID 470063). Functional studies have not been performed, and in silico predictions of the variant's effect on protein function are inconclusive. The evidence is insufficient to meet ACMG/AMP criteria for classifying the variant as benign or pathogenic. Thus, the clinical significance of this variant is currently uncertain.

St. Jude Molecular Pathology, St. Jude Children's Research Hospital
Classification: Uncertain significance for Familial adenomatous polyposis 1. Last evaluated: 2021-08-03. Review status: criteria provided, single submitter. Criteria: St. Jude Assertion Criteria 2020. Collection method: clinical testing. Allele origin: germline.

PreventionGenetics, part of Exact Sciences
Classification: Uncertain significance for APC-related condition. Last evaluated: 2024-05-03. Review status: no assertion criteria provided. Collection method: clinical testing. Allele origin: germline. Not counted in ClinVar's aggregate classification.
Comment: The APC c.682A>G variant is predicted to result in the amino acid substitution p.Ile228Val. To our knowledge, this variant has not been reported in the literature or in a large population database, indicating this variant is rare. This variant is interpreted as a variant of uncertain significance in ClinVar. At this time, the clinical significance of this variant is uncertain due to the absence of conclusive functional and genetic evidence.

NM_000038.6(APC):c.682A>G (p.Ile228Val)

Gene: APC (APC regulator of Wnt signaling pathway; plus strand). Cytogenetic location: 5q22.2.
Variant type: single nucleotide variant.
Coding change: c.682A>G on transcript NM_000038.6 (MANE Select); coding-DNA position 682, A replaced by G.
Protein change: p.Ile228Val; replaces isoleucine 228 with valine.
Molecular consequence: missense variant. On other transcripts: 5 prime UTR variant (1), intron variant (2).
Genome position (GRCh38, 1-based): chr5:112,792,482, A>G. VCF-style: chr5-112792482-A-G. GRCh37 (hg19) VCF-style: chr5-112128179-A-G.
Other names: c.682A>G (NM_000038.4); c.682A>G, p.Ile228Val (NM_001127510.3, NM_001354895.2, NM_001354896.2 and 1 more transcripts); c.712A>G, p.Ile238Val (NM_001354897.2, NM_001354902.2); c.607A>G, p.Ile203Val (NM_001354898.2, NM_001354904.2); c.505A>G, p.Ile169Val (NM_001354900.2, NM_001354901.2, NM_001354905.2); c.-354A>G (NM_001354906.2); c.676-8797A>G (NM_001127511.3); c.646-8797A>G (NM_001354899.2); short protein forms I228V, I203V, I169V, I238V.
Identifiers: ClinVar variation 470063 (VCV000470063.62), dbSNP rs1554074757, ClinGen allele CA16022830.